The following is an entry in ClinVar:

ClinVar aggregate classification (germline): Uncertain significance (1 of 4 stars; one submission).

Submission:

Labcorp Genetics (formerly Invitae), Labcorp
Classification: Uncertain significance. Last evaluated: 2022-03-23. Review status: criteria provided, single submitter. Criteria: Invitae Variant Classification Sherloc (09022015). Collection method: clinical testing. Allele origin: germline.
Comment: This variant has not been reported in the literature in individuals affected with CHRM1-related conditions. This variant is not present in population databases (gnomAD no frequency). This sequence change replaces asparagine, which is neutral and polar, with histidine, which is basic and polar, at codon 80 of the CHRM1 protein (p.Asn80His). Algorithms developed to predict the effect of missense changes on protein structure and function (SIFT, PolyPhen-2, Align-GVGD) all suggest that this variant is likely to be disruptive. In summary, the available evidence is currently insufficient to determine the role of this variant in disease. Therefore, it has been classified as a Variant of Uncertain Significance.

NM_000738.3(CHRM1):c.238A>C (p.Asn80His)

Genes: CHRM1 (cholinergic receptor muscarinic 1; minus strand), CHRM1-AS1 (CHRM1 antisense RNA 1; plus strand). Cytogenetic location: 11q12.3.
Variant type: single nucleotide variant.
Coding change: c.238A>C on transcript NM_000738.3 (MANE Select); coding-DNA position 238, A replaced by C.
Protein change: p.Asn80His; replaces asparagine 80 with histidine.
Molecular consequence: missense variant.
Genome position (GRCh38, 1-based): chr11:62,910,863, T>G on the plus strand (A>C on the coding strand, the complement: CHRM1 is on the minus strand). VCF-style: chr11-62910863-T-G. GRCh37 (hg19) VCF-style: chr11-62678335-T-G.
Other names: short protein forms N80H.
Identifiers: ClinVar variation 2163220 (VCV002163220.4), dbSNP rs2539546886, ClinGen allele CA380960280.
Genomic context (GRCh38, chr11:62,910,863, plus strand): 5'-GGTCACAAGCCAGCGTGCCCAGAGCCCAGTGGCCCATGAGCAGGTACGTGGTATAGAGGT[T>G]CATGGAGAAGGTACCGATGATGAGGTCAGCACAGGCCAGGCTCAGCAGGAAGTAGTTATT-3'
Protein context (NP_000729.2, residues 70-90): ADLIIGTFSM[Asn80His]LYTTYLLMGH